The following is an entry in ClinVar:

NM_001089.3(ABCA3):c.742C>T (p.Pro248Ser)

Gene: ABCA3 (ATP binding cassette subfamily A member 3; minus strand). Cytogenetic location: 16p13.3.
Variant type: single nucleotide variant.
Coding change: c.742C>T on transcript NM_001089.3 (MANE Select); coding-DNA position 742, C replaced by T.
Protein change: p.Pro248Ser; replaces proline 248 with serine.
Molecular consequence: missense variant.
Genome position (GRCh38, 1-based): chr16:2,319,712, G>A on the plus strand (C>T on the coding strand, the complement: ABCA3 is on the minus strand). VCF-style: chr16-2319712-G-A. GRCh37 (hg19) VCF-style: chr16-2369713-G-A.
Other names: short protein forms P248S.
Identifiers: ClinVar variation 4525872 (VCV004525872.1).

ClinVar aggregate classification (germline): Likely pathogenic (1 of 4 stars; one submission).

Conditions:
Interstitial lung disease due to ABCA3 deficiency. Also called: PULMONARY ALVEOLAR PROTEINOSIS, CONGENITAL, 3. Identifiers: Orphanet 440402, MedGen C1970456, MONDO:0012582, OMIM 610921.

gnomAD v4.1: 1 of 1,613,798 alleles (0.000062%); highest among the groups gnomAD compares: Non-Finnish European, 0.000085%; no homozygotes.

Submission:

Women's Health and Genetics/Laboratory Corporation of America, LabCorp
Classification: Likely pathogenic for Interstitial lung disease due to ABCA3 deficiency. Last evaluated: 2025-07-15. Review status: criteria provided, single submitter. Criteria: LabCorp Variant Classification Summary - May 2015. Collection method: clinical testing. Allele origin: germline.
Comment: Variant summary: ABCA3 c.742C>T (p.Pro248Ser) results in a non-conservative amino acid change in the encoded protein sequence. Algorithms developed to predict the effect of missense changes on protein structure and function all suggest that this variant is likely to be disruptive. The variant was absent in 250914 control chromosomes. c.742C>T has been observed in the homozygous and presumed compound heterozygous state in at least 2 individual(s) affected with autosomla recessive Pulmonary surfactant metabolism dysfunction (example, Kroner_2017, Li_2023). These data indicate that the variant may be associated with disease. A different variant affecting the same codon has been classified as likely pathogenic/pathogenic by our lab (c.743C>T, p.Pro248Ser), supporting the critical relevance of codon 248 to ABCA3 protein function. At least one publication reports experimental evidence evaluating an impact on protein function, however, does not allow convincing conclusions about the variant effect (Yang_2023). The following publications have been ascertained in the context of this evaluation (PMID: 27516224, 36808083, 32851225, 33708521, 37108718, 32363169, 35394827, 37175887). No submitters have cited clinical-significance assessments for this variant to ClinVar. Based on the evidence outlined above, the variant was classified as likely pathogenic.

Literature cited by the submitters: PubMed 27516224; PubMed 36808083; PubMed 37108718; PubMed 33708521; PubMed 37175887; PubMed 32851225; PubMed 35394827; PubMed 32363169.